The following is an entry in ClinVar:

NM_000388.4(CASR):c.3233C>G (p.Ser1078Ter)

Gene: CASR (calcium sensing receptor; plus strand). Cytogenetic location: 3q21.1.
Variant type: single nucleotide variant.
Coding change: c.3233C>G on transcript NM_000388.4 (MANE Select); coding-DNA position 3233, C replaced by G.
Protein change: p.Ser1078Ter; replaces serine 1078 with a stop codon.
Molecular consequence: nonsense.
Genome position (GRCh38, 1-based): chr3:122,285,187, C>G. VCF-style: chr3-122285187-C-G. GRCh37 (hg19) VCF-style: chr3-122004034-C-G.
Other names: c.3263C>G, p.Ser1088Ter (NM_001178065.2); short protein forms S1078*, S1088*.
Identifiers: ClinVar variation 4794854 (VCV004794854.1).
Genomic context (GRCh38, chr3:122,285,187, plus strand): 5'-GTTCACAGAGCTTTGTCATCAGTGGTGGAGGCAGCACTGTTACAGAAAACGTAGTGAATT[C>G]ATAAAATGGAAGGAGAAGACTGGGCTAGGGAGAATGCAGAGAGGTTTCTTGGGGTCCCAG-3'

ClinVar aggregate classification (germline): Uncertain significance (1 of 4 stars; one submission).

Conditions:
Familial hypocalciuric hypercalcemia (FHH). Also called: Familial benign hypercalcemia. Identifiers: Orphanet 405, MedGen C1809471, MONDO:0018458.
Autosomal dominant hypocalcemia 1 (HYPOC1). Also called: HYPOCALCEMIA, FAMILIAL. Identifiers: MedGen C3715128, MONDO:0011013, OMIM 601198.

Submission:

Labcorp Genetics (formerly Invitae), Labcorp
Classification: Uncertain significance for Familial hypocalciuric hypercalcemia; Autosomal dominant hypocalcemia 1. Last evaluated: 2025-11-25. Review status: criteria provided, single submitter. Criteria: Invitae Variant Classification Sherloc (09022015). Collection method: clinical testing. Allele origin: germline.
Comment: This sequence change creates a premature translational stop signal (p.Ser1078*) in the CASR gene. While this is not anticipated to result in nonsense mediated decay, it is expected to disrupt the last 1 amino acid(s) of the CASR protein. This variant is not present in population databases (gnomAD no frequency). This variant has not been reported in the literature in individuals affected with CASR-related conditions. Experimental studies and prediction algorithms are not available or were not evaluated, and the functional significance of this variant is currently unknown. In summary, the available evidence is currently insufficient to determine the role of this variant in disease. Therefore, it has been classified as a Variant of Uncertain Significance.